The following is an entry in ClinVar:

NM_001035.3(RYR2):c.4432G>A (p.Glu1478Lys)

Gene: RYR2 (ryanodine receptor 2; plus strand). Cytogenetic location: 1q43.
Variant type: single nucleotide variant.
Coding change: c.4432G>A on transcript NM_001035.3 (MANE Select); coding-DNA position 4432, G replaced by A.
Protein change: p.Glu1478Lys; replaces glutamic acid 1478 with lysine.
Molecular consequence: missense variant.
Genome position (GRCh38, 1-based): chr1:237,593,632, G>A. VCF-style: chr1-237593632-G-A. GRCh37 (hg19) VCF-style: chr1-237756932-G-A.
Other names: short protein forms E1478K.
Identifiers: ClinVar variation 3069441 (VCV003069441.1), dbSNP rs2546639340, ClinGen allele CA345400012.

ClinVar aggregate classification (germline): Uncertain significance (1 of 4 stars; one submission).

Conditions:
Catecholaminergic polymorphic ventricular tachycardia (CVPT). Also called: Catecholamine-induced polymorphic ventricular tachycardia. Identifiers: Orphanet 3286, MedGen C5574922, MONDO:0017990.

Submission:

All of Us Research Program, National Institutes of Health
Classification: Uncertain significance for Catecholaminergic polymorphic ventricular tachycardia. Last evaluated: 2023-03-04. Review status: criteria provided, single submitter. Criteria: ACMG Guidelines, 2015. Collection method: clinical testing. Allele origin: germline. Inheritance: Autosomal dominant inheritance. Observed: 1 variant allele, 1 heterozygote.
Comment: This study involves interpretation of variants in research participants for the purpose of population health screening. Participant phenotype was not available at the time of variant classification. Additional details can be found in publication PMID: 35346344, PMCID: PMC8962531